The following is an entry in ClinVar:

NM_006516.4(SLC2A1):c.517G>C (p.Val173Leu)

Gene: SLC2A1 (solute carrier family 2 member 1; minus strand). Cytogenetic location: 1p34.2.
Variant type: single nucleotide variant.
Coding change: c.517G>C on transcript NM_006516.4 (MANE Select); coding-DNA position 517, G replaced by C.
Protein change: p.Val173Leu; replaces valine 173 with leucine.
Molecular consequence: missense variant.
Genome position (GRCh38, 1-based): chr1:42,930,035, C>G on the plus strand (G>C on the coding strand, the complement: SLC2A1 is on the minus strand). VCF-style: chr1-42930035-C-G. GRCh37 (hg19) VCF-style: chr1-43395706-C-G.
Other names: short protein forms V173L.
Identifiers: ClinVar variation 4686767 (VCV004686767.1).

ClinVar aggregate classification (germline): Uncertain significance (1 of 4 stars; one submission).

Submission:

GeneDx
Classification: Uncertain significance. Last evaluated: 2025-07-21. Review status: criteria provided, single submitter. Criteria: GeneDx Variant Classification Process June 2021. Collection method: clinical testing. Allele origin: germline. Affected: yes.
Comment: Not observed at significant frequency in large population cohorts (gnomAD); In silico analysis suggests that this missense variant does not alter protein structure/function; Has not been previously published as pathogenic or benign to our knowledge